The following is an entry in ClinVar:

ClinVar aggregate classification (germline): Benign/Likely benign. Review status: criteria provided, multiple submitters, no conflicts (2 of 4 stars). 6 submissions from 6 submitters: Benign (5); Likely benign (1). Last evaluated 2026-02-03.

Conditions:
Junctional epidermolysis bullosa with pyloric atresia. Also called: CARMI SYNDROME; EPIDERMOLYSIS BULLOSA, JUNCTIONAL 5B, WITH PYLORIC ATRESIA; APLASIA CUTIS CONGENITA WITH GASTROINTESTINAL ATRESIA; EB-PA-ACC; ITGB4-Related Epidermolysis Bullosa with Pyloric Atresia; Epidermolysis bullosa, junctional, with pyloric atresia and aplasia cutis congenita. Identifiers: Orphanet 79403, MedGen C5676875, MONDO:0009183, OMIM 226730.

Allele frequency attached by ClinVar (database versions not stated): ESP Exome Variant Server 0.03591; gnomAD exomes 0.04060 and 0.09586; gnomAD 0.05352 and 0.06202; TOPMed 0.07003; ExAC 0.09138; 1000 Genomes Project 30x 0.14288; 1000 Genomes Project 0.14637.

Submissions (6):

Labcorp Genetics (formerly Invitae), Labcorp
Classification: Benign. Last evaluated: 2026-02-03. Review status: criteria provided, single submitter. Criteria: Invitae Variant Classification Sherloc (09022015). Collection method: clinical testing. Allele origin: germline.

Blueprint Genetics
Classification: Likely benign. Last evaluated: 2024-11-27. Review status: criteria provided, single submitter. Criteria: ACMG Guidelines, 2015. Collection method: clinical testing. Allele origin: germline.

Mayo Clinic Laboratories, Mayo Clinic
Classification: Benign. Last evaluated: 2022-03-09. Review status: criteria provided, single submitter. Criteria: ACMG Guidelines, 2015. Collection method: clinical testing. Allele origin: germline. Observed: 29 variant alleles.

GeneDx
Classification: Benign. Last evaluated: 2018-07-09. Review status: criteria provided, single submitter. Criteria: GeneDx Variant Classification Process June 2021. Collection method: clinical testing. Allele origin: germline. Affected: yes.

Illumina Laboratory Services, Illumina
Classification: Benign for Junctional epidermolysis bullosa with pyloric atresia. Last evaluated: 2018-01-12. Review status: criteria provided, single submitter. Criteria: ICSL Variant Classification Criteria 13 December 2019. Collection method: clinical testing. Allele origin: germline.
Comment: This variant was observed in the ICSL laboratory as part of a predisposition screen in an ostensibly healthy population. It had not been previously curated by ICSL or reported in the Human Gene Mutation Database (HGMD: prior to June 1st, 2018), and was therefore a candidate for classification through an automated scoring system. Utilizing variant allele frequency, disease prevalence and penetrance estimates, and inheritance mode, an automated score was calculated to assess if this variant is too frequent to cause the disease. Based on the score and internal cut-off values, a variant classified as benign is not then subjected to further curation. The score for this variant resulted in a classification of benign for this disease.

Breakthrough Genomics
Classification: Benign. Review status: criteria provided, single submitter. Criteria: ACMG Guidelines, 2015. Collection method: not provided. Allele origin: germline. Inheritance: Autosomal recessive inheritance. Affected: yes.

NM_000213.5(ITGB4):c.1821G>A (p.Ser607=)

Gene: ITGB4 (integrin subunit beta 4; plus strand). Cytogenetic location: 17q25.1.
Variant type: single nucleotide variant.
Coding change: c.1821G>A on transcript NM_000213.5 (MANE Select); coding-DNA position 1821, G replaced by A.
Protein change: p.Ser607=; no amino-acid change (serine 607 retained).
Molecular consequence: synonymous variant.
Genome position (GRCh38, 1-based): chr17:75,736,347, G>A. VCF-style: chr17-75736347-G-A. GRCh37 (hg19) VCF-style: chr17-73732428-G-A.
Other names: p.Ser607=; c.1821G>A, p.Ser607= (NM_001005619.2, NM_001005731.3, NM_001321123.2).
Identifiers: ClinVar variation 325151 (VCV000325151.16), dbSNP rs2290460, ClinGen allele CA8769142.